The following is an entry in ClinVar:

NM_014000.3(VCL):c.1312A>G (p.Ile438Val)

Gene: VCL (vinculin; plus strand). Cytogenetic location: 10q22.2.
Variant type: single nucleotide variant.
Coding change: c.1312A>G on transcript NM_014000.3 (MANE Select); coding-DNA position 1312, A replaced by G.
Protein change: p.Ile438Val; replaces isoleucine 438 with valine.
Molecular consequence: missense variant.
Genome position (GRCh38, 1-based): chr10:74,090,158, A>G. VCF-style: chr10-74090158-A-G. GRCh37 (hg19) VCF-style: chr10-75849916-A-G.
Other names: c.1312A>G, p.Ile438Val (NM_003373.4); short protein forms I438V.
Identifiers: ClinVar variation 1769694 (VCV001769694.3), dbSNP rs150016624, ClinGen allele CA209700911.

ClinVar aggregate classification (germline): Uncertain significance. Review status: criteria provided, multiple submitters, no conflicts (2 of 4 stars). 2 submissions from 2 submitters: Uncertain significance (2). Last evaluated 2025-10-29.

Conditions:
Cardiovascular phenotype. Identifiers: MedGen CN230736.
Dilated cardiomyopathy 1W (CMD1W). Identifiers: Orphanet 154, MedGen C1969639, MONDO:0012667, OMIM 611407.

Allele frequency attached by ClinVar (database versions not stated): ESP Exome Variant Server 0.00008.
gnomAD v4.1: 1 of 1,614,234 alleles (0.000062%); highest among the groups gnomAD compares: Non-Finnish European, 0.000085%; no homozygotes.

Submissions (2):

Labcorp Genetics (formerly Invitae), Labcorp
Classification: Uncertain significance for Dilated cardiomyopathy 1W. Last evaluated: 2025-10-29. Review status: criteria provided, single submitter. Criteria: Invitae Variant Classification Sherloc (09022015). Collection method: clinical testing. Allele origin: germline.
Comment: This sequence change replaces isoleucine, which is neutral and non-polar, with valine, which is neutral and non-polar, at codon 438 of the VCL protein (p.Ile438Val). This variant is not present in population databases (gnomAD no frequency). This variant has not been reported in the literature in individuals affected with VCL-related conditions. ClinVar contains an entry for this variant (Variation ID: 1769694). An algorithm developed to predict the effect of missense changes on protein structure and function (PolyPhen-2) suggests that this variant is likely to be tolerated. In summary, the available evidence is currently insufficient to determine the role of this variant in disease. Therefore, it has been classified as a Variant of Uncertain Significance.

Ambry Genetics
Classification: Uncertain significance for Cardiovascular phenotype. Last evaluated: 2022-05-02. Review status: criteria provided, single submitter. Criteria: Ambry Variant Classification Scheme 2023. Collection method: clinical testing. Allele origin: germline.
Comment: The p.I438V variant (also known as c.1312A>G), located in coding exon 10 of the VCL gene, results from an A to G substitution at nucleotide position 1312. The isoleucine at codon 438 is replaced by valine, an amino acid with highly similar properties. This amino acid position is conserved. In addition, this alteration is predicted to be tolerated by in silico analysis. Since supporting evidence is limited at this time, the clinical significance of this alteration remains unclear.